The following is an entry in ClinVar:

NM_001003722.2(GLE1):c.2093C>T (p.Ser698Phe)

Genes: GLE1 (GLE1 RNA export mediator; plus strand), LOC101929270 (uncharacterized LOC101929270; minus strand). Cytogenetic location: 9q34.11.
Variant type: single nucleotide variant.
Coding change: c.2093C>T on transcript NM_001003722.2 (MANE Select); coding-DNA position 2093, C replaced by T.
Protein change: p.Ser698Phe; replaces serine 698 with phenylalanine.
Molecular consequence: missense variant.
Genome position (GRCh38, 1-based): chr9:128,541,166, C>T. VCF-style: chr9-128541166-C-T. GRCh37 (hg19) VCF-style: chr9-131303445-C-T.
Other names: c.2120C>T, p.Ser707Phe (NM_001411013.1); short protein forms S698F, S707F.
Identifiers: ClinVar variation 1708749 (VCV001708749.2), dbSNP rs1017545536, ClinGen allele CA200395476.

ClinVar aggregate classification (germline): Uncertain significance (1 of 4 stars; one submission).

Allele frequency attached by ClinVar (database versions not stated): TOPMed 0.00001.
gnomAD v4.1: 1 of 1,539,090 alleles (0.000065%); highest among the groups gnomAD compares: African/African-American, 0.0014%; no homozygotes.

Submission:

GeneDx
Classification: Uncertain significance. Last evaluated: 2022-03-14. Review status: criteria provided, single submitter. Criteria: GeneDx Variant Classification Process June 2021. Collection method: clinical testing. Allele origin: germline. Affected: yes.
Comment: Has not been previously published as pathogenic or benign to our knowledge; Not observed at significant frequency in large population cohorts (gnomAD); In silico analysis supports that this missense variant has a deleterious effect on protein structure/function